The following is an entry in ClinVar:

ClinVar aggregate classification (germline): Pathogenic. Review status: criteria provided, multiple submitters, no conflicts (2 of 4 stars). 4 submissions from 4 submitters: Pathogenic (3). 1 of the submissions does not count toward it. Last evaluated 2022-08-16.

Conditions:
Retinitis pigmentosa 4 (RP4). Also called: RETINITIS PIGMENTOSA, RHODOPSIN-RELATED. Identifiers: Orphanet 791, MedGen C3151001, MONDO:0013395, OMIM 613731.

Submissions (4):

GeneDx
Classification: Pathogenic. Last evaluated: 2022-08-16. Review status: criteria provided, single submitter. Criteria: GeneDx Variant Classification Process June 2021. Collection method: clinical testing. Allele origin: germline. Affected: yes.
Comment: Published functional studies demonstrate a damaging effect on cellular localization (Behnen et al., 2018); In silico analysis supports that this missense variant has a deleterious effect on protein structure/function; Not observed at significant frequency in large population cohorts (gnomAD); This variant is associated with the following publications: (PMID: 21094163, 30977563, 12646201, 8088850, 19414246, 26986070, 28559085, 7760863, 30240733)

Labcorp Genetics (formerly Invitae), Labcorp
Classification: Pathogenic. Last evaluated: 2022-03-09. Review status: criteria provided, single submitter. Criteria: Invitae Variant Classification Sherloc (09022015). Collection method: clinical testing. Allele origin: germline.
Comment: For these reasons, this variant has been classified as Pathogenic. Experimental studies have shown that this missense change affects RHO function (PMID: 30977563). Advanced modeling of protein sequence and biophysical properties (such as structural, functional, and spatial information, amino acid conservation, physicochemical variation, residue mobility, and thermodynamic stability) performed at Invitae indicates that this missense variant is expected to disrupt RHO protein function. This sequence change replaces glycine, which is neutral and non-polar, with aspartic acid, which is acidic and polar, at codon 114 of the RHO protein (p.Gly114Asp). This variant is not present in population databases (gnomAD no frequency). This missense change has been observed in individual(s) with autosomal dominant retinitis pigmentosa (PMID: 8088850). It has also been observed to segregate with disease in related individuals. ClinVar contains an entry for this variant (Variation ID: 13048).

Centre for Genomic Medicine, Manchester, Central Manchester University Hospitals
Classification: Pathogenic for Retinitis pigmentosa 4. Last evaluated: 2020-09-01. Review status: criteria provided, single submitter. Criteria: ACMG Guidelines, 2015. Collection method: clinical testing. Allele origin: germline. Affected: yes. Observed: 1 heterozygote.

OMIM
Classification: Pathogenic for RETINITIS PIGMENTOSA 4. Last evaluated: 1994-05-15. Review status: no assertion criteria provided. Collection method: literature only. Allele origin: germline. Not counted in ClinVar's aggregate classification.

Literature cited by the submitters: PubMed 30977563 (cited by Labcorp Genetics (formerly Invitae), Labcorp); PubMed 8088850 (cited by Labcorp Genetics (formerly Invitae), Labcorp and OMIM).

NM_000539.3(RHO):c.341G>A (p.Gly114Asp)

Gene: RHO (rhodopsin; plus strand). Cytogenetic location: 3q22.1.
Variant type: single nucleotide variant.
Coding change: c.341G>A on transcript NM_000539.3 (MANE Select); coding-DNA position 341, G replaced by A.
Protein change: p.Gly114Asp; replaces glycine 114 with aspartic acid.
Molecular consequence: missense variant.
Genome position (GRCh38, 1-based): chr3:129,529,074, G>A. VCF-style: chr3-129529074-G-A. GRCh37 (hg19) VCF-style: chr3-129247917-G-A.
Other names: short protein forms G114D.
Identifiers: ClinVar variation 13048 (VCV000013048.8), dbSNP rs104893788, ClinGen allele CA256688.